The following is an entry in ClinVar:

ClinVar aggregate classification (germline): Pathogenic (1 of 4 stars; one submission).

Conditions:
Holocarboxylase synthetase deficiency. Also called: MULTIPLE CARBOXYLASE DEFICIENCY, EARLY ONSET. Identifiers: Orphanet 79242, MedGen C0268581, MONDO:0009666, OMIM 253270.

Submission:

Labcorp Genetics (formerly Invitae), Labcorp
Classification: Pathogenic for Holocarboxylase synthetase deficiency. Last evaluated: 2024-04-22. Review status: criteria provided, single submitter. Criteria: Invitae Variant Classification Sherloc (09022015). Collection method: clinical testing. Allele origin: germline.
Comment: This sequence change creates a premature translational stop signal (p.Lys646Asnfs*2) in the HLCS gene. It is expected to result in an absent or disrupted protein product. Loss-of-function variants in HLCS are known to be pathogenic (PMID: 16134170). This variant is not present in population databases (gnomAD no frequency). This variant has not been reported in the literature in individuals affected with HLCS-related conditions. For these reasons, this variant has been classified as Pathogenic.

Literature cited by the submitters: PubMed 16134170.

NM_001352514.2(HLCS):c.2379del (p.Lys793fs)

Gene: HLCS (holocarboxylase synthetase; minus strand). Cytogenetic location: 21q22.13.
Variant type: Deletion.
Coding change: c.2379del on transcript NM_001352514.2 (MANE Select); coding-DNA position 2379, one base deleted (A; older notation c.2379delA).
Protein change: p.Lys793fs; shifts the reading frame from lysine 793.
Molecular consequence: frameshift variant. On other transcripts: non-coding transcript variant (2).
Genome position (GRCh38, 1-based): chr21:36,756,613, T deleted on the plus strand (A on the coding strand, the reverse complement: HLCS is on the minus strand); the first of 3 consecutive T bases (chr21:36,756,613-36,756,615); deleting any one gives the same sequence. VCF-style (leftmost placement, unchanged base first): chr21-36756612-GT-G. GRCh37 (hg19) VCF-style: chr21-38128913-GT-G.
Other names: c.1938del, p.Lys646fs (NM_000411.8, NM_001242784.3, NM_001242785.2 and 4 more transcripts); short protein forms K646fs, K793fs.
Identifiers: ClinVar variation 3673226 (VCV003673226.2).